The following is an entry in ClinVar:

NM_001099402.2(CCNK):c.1532C>A (p.Pro511His)

Genes: CCDC85C (coiled-coil domain containing 85C; minus strand), CCNK (cyclin K; plus strand). Cytogenetic location: 14q32.2.
Variant type: single nucleotide variant.
Coding change: c.1532C>A on transcript NM_001099402.2 (MANE Select); coding-DNA position 1532, C replaced by A.
Protein change: p.Pro511His; replaces proline 511 with histidine.
Molecular consequence: missense variant. On other transcripts: 3 prime UTR variant (1).
Genome position (GRCh38, 1-based): chr14:99,510,571, C>A. VCF-style: chr14-99510571-C-A. GRCh37 (hg19) VCF-style: chr14-99976908-C-A.
Other names: c.*4675G>T (NM_001144995.2); short protein forms P511H.
Identifiers: ClinVar variation 4882981 (VCV004882981.2).

ClinVar aggregate classification (germline): Uncertain significance (1 of 4 stars; one submission).

Submission:

Dasa
Classification: Uncertain significance. Last evaluated: 2024-11-14. Review status: criteria provided, single submitter. Criteria: DASA Assertion Criteria. Collection method: clinical testing. Allele origin: germline.
Comment: NM_001099402.2(CCNK):c.1532C>A (p.Pro511His) is a missense variant that results in the substitution of proline with histidine. This variant is absent from population databases. Computational prediction algorithms are consistent with a benign effect. The currently available literature and clinical evidence are not sufficient to establish a definitive association between this variant and the reported condition. Therefore, this variant is classified as a variant of uncertain significance.